The following is an entry in ClinVar:

ClinVar aggregate classification (germline): Uncertain significance. Review status: criteria provided, multiple submitters, no conflicts (2 of 4 stars). 2 submissions from 2 submitters: Uncertain significance (2). Last evaluated 2021-08-27.

Conditions:
Charcot-Marie-Tooth disease axonal type 2S. Also called: CHARCOT-MARIE-TOOTH NEUROPATHY, TYPE 2S; CHARCOT-MARIE-TOOTH DISEASE, AXONAL, AUTOSOMAL RECESSIVE, TYPE 2S. Identifiers: Orphanet 443073, MedGen C4015349, MONDO:0014511, OMIM 616155.
Autosomal recessive distal spinal muscular atrophy 1. Also called: HMN VI; NEURONOPATHY, SEVERE INFANTILE AXONAL, WITH RESPIRATORY FAILURE; SEVERE INFANTILE AXONAL NEUROPATHY WITH RESPIRATORY FAILURE; SPINAL MUSCULAR ATROPHY, DIAPHRAGMATIC; Spinal muscular atrophy with respiratory distress 1; NEURONOPATHY, DISTAL HEREDITARY MOTOR, HARDING TYPE VI. Identifiers: Orphanet 98920, MedGen C1858517, MONDO:0011436, OMIM 604320.

Allele frequency attached by ClinVar (database versions not stated): ExAC below 0.00001; gnomAD exomes below 0.00001 and 0.00001; gnomAD 0.00001.
gnomAD v4.1: 10 of 1,607,296 alleles (0.00062%); highest among the groups gnomAD compares: Middle Eastern, 0.017%; no homozygotes.

Submissions (2):

Labcorp Genetics (formerly Invitae), Labcorp
Classification: Uncertain significance for Autosomal recessive distal spinal muscular atrophy 1; Charcot-Marie-Tooth disease axonal type 2S. Last evaluated: 2021-08-27. Review status: criteria provided, single submitter. Criteria: Invitae Variant Classification Sherloc (09022015). Collection method: clinical testing. Allele origin: germline.
Comment: This sequence change replaces threonine with methionine at codon 993 of the IGHMBP2 protein (p.Thr993Met). The threonine residue is weakly conserved and there is a moderate physicochemical difference between threonine and methionine. The frequency data for this variant in the population databases is considered unreliable, as metrics indicate poor data quality at this position in the ExAC database. This variant has not been reported in the literature in individuals affected with IGHMBP2-related conditions. Algorithms developed to predict the effect of missense changes on protein structure and function output the following: SIFT: "Deleterious"; PolyPhen-2: "Possibly Damaging"; Align-GVGD: "Class C0". The methionine amino acid residue is found in multiple mammalian species, which suggests that this missense change does not adversely affect protein function. In summary, the available evidence is currently insufficient to determine the role of this variant in disease. Therefore, it has been classified as a Variant of Uncertain Significance.

Revvity Omics, Revvity
Classification: Uncertain significance. Last evaluated: 2019-12-12. Review status: criteria provided, single submitter. Criteria: ACMG Guidelines, 2015. Collection method: clinical testing. Allele origin: germline.

NM_002180.3(IGHMBP2):c.2978C>T (p.Thr993Met)

Gene: IGHMBP2 (immunoglobulin mu DNA binding protein 2; plus strand). Cytogenetic location: 11q13.3.
Variant type: single nucleotide variant.
Coding change: c.2978C>T on transcript NM_002180.3 (MANE Select); coding-DNA position 2978, C replaced by T.
Protein change: p.Thr993Met; replaces threonine 993 with methionine.
Molecular consequence: missense variant.
Genome position (GRCh38, 1-based): chr11:68,939,727, C>T. VCF-style: chr11-68939727-C-T. GRCh37 (hg19) VCF-style: chr11-68707195-C-T.
Other names: short protein forms T993M.
Identifiers: ClinVar variation 534915 (VCV000534915.8), dbSNP rs777591006, ClinGen allele CA6154074.
Genomic context (GRCh38, chr11:68,939,727, plus strand): 5'-TGGATAAGAAGCTGAGTGAGCTCAGCAACCAGAGGACCAGCCGGAGGAAGGAGAGGGGGA[C>T]GTGACCGGCCGCATCCTTGCACGCCCCGCGGAGCTCTCTCCATGGTAGCCCAGGGCGCTG-3'
Protein context (NP_002171.2, residues 983-993): QRTSRRKERG[Thr993Met]